The following is an entry in ClinVar:

NM_014225.6(PPP2R1A):c.1247A>G (p.Lys416Arg)

Gene: PPP2R1A (protein phosphatase 2 scaffold subunit Aalpha; plus strand). Cytogenetic location: 19q13.41.
Variant type: single nucleotide variant.
Coding change: c.1247A>G on transcript NM_014225.6 (MANE Select); coding-DNA position 1247, A replaced by G.
Protein change: p.Lys416Arg; replaces lysine 416 with arginine.
Molecular consequence: missense variant. On other transcripts: non-coding transcript variant (1).
Genome position (GRCh38, 1-based): chr19:52,219,809, A>G. VCF-style: chr19-52219809-A-G. GRCh37 (hg19) VCF-style: chr19-52723062-A-G.
Other names: c.710A>G, p.Lys237Arg (NM_001363656.2); short protein forms K237R, K416R.
Identifiers: ClinVar variation 1714876 (VCV001714876.5), dbSNP rs1447032127, ClinGen allele CA407189491.

ClinVar aggregate classification (germline): Uncertain significance (1 of 4 stars; one submission).

Allele frequency attached by ClinVar (database versions not stated): gnomAD exomes below 0.00001; TOPMed below 0.00001.
gnomAD v4.1: 1 of 1,613,534 alleles (0.000062%); highest among the groups gnomAD compares: Non-Finnish European, 0.000085%; no homozygotes.

Submission:

Labcorp Genetics (formerly Invitae), Labcorp
Classification: Uncertain significance. Last evaluated: 2023-01-19. Review status: criteria provided, single submitter. Criteria: Invitae Variant Classification Sherloc (09022015). Collection method: clinical testing. Allele origin: germline.
Comment: This sequence change replaces lysine, which is basic and polar, with arginine, which is basic and polar, at codon 416 of the PPP2R1A protein (p.Lys416Arg). This variant is not present in population databases (gnomAD no frequency). This variant has not been reported in the literature in individuals affected with PPP2R1A-related conditions. ClinVar contains an entry for this variant (Variation ID: 1714876). Advanced modeling of protein sequence and biophysical properties (such as structural, functional, and spatial information, amino acid conservation, physicochemical variation, residue mobility, and thermodynamic stability) performed at Invitae indicates that this missense variant is expected to disrupt PPP2R1A protein function. In summary, the available evidence is currently insufficient to determine the role of this variant in disease. Therefore, it has been classified as a Variant of Uncertain Significance.